The following is an entry in ClinVar:

ClinVar aggregate classification (germline): Pathogenic/Likely pathogenic. Review status: criteria provided, multiple submitters, no conflicts (2 of 4 stars). 5 submissions from 5 submitters: Pathogenic (1); Likely pathogenic (2). 2 of the submissions do not count toward it. Last evaluated 2025-07-27.

Conditions:
Autosomal recessive polycystic kidney disease (ARPKD). Also called: AR polycystic kidney disease. Identifiers: Orphanet 731, Orphanet 8378, MedGen C0085548, MeSH D017044, MONDO:0009889.
Polycystic kidney disease 4 (PKD4). Also called: POLYCYSTIC KIDNEY DISEASE 4 WITH OR WITHOUT POLYCYSTIC LIVER DISEASE; POLYCYSTIC KIDNEY AND HEPATIC DISEASE 1; POLYCYSTIC KIDNEY DISEASE, INFANTILE, TYPE I; PKD3; Autosomal Recessive Polycystic Kidney Disease – PKHD1. Identifiers: MedGen C4540575, MONDO:0033004, OMIM 263200.

Submissions (5):

Natera, Inc.
Classification: Likely pathogenic for Autosomal recessive polycystic kidney disease. Last evaluated: 2025-07-27. Review status: criteria provided, single submitter. Criteria: Natera Variant Classification Schema (03/2026). Collection method: clinical testing. Allele origin: germline.
Comment: The c.8302+2T>C variant in PKHD1 is a canonical splice donor site variant predicted to affect pre-mRNA splicing, which may result in an abnormal transcript and altered protein product. This variant is expected to result in nonsense mediated decay, truncation, or a dysfunctional protein product. This variant is rare in the general population with a frequency below the threshold expected for the associated phenotype(s). Given the available evidence, this variant is classified as Likely Pathogenic.

Fulgent Genetics
Classification: Likely pathogenic for Polycystic kidney disease 4. Last evaluated: 2024-05-04. Review status: criteria provided, single submitter. Criteria: ACMG Guidelines, 2015. Collection method: clinical testing. Allele origin: germline.

Baylor Genetics
Classification: Pathogenic for Polycystic kidney disease 4. Last evaluated: 2023-05-26. Review status: criteria provided, single submitter. Criteria: ACMG Guidelines, 2015. Collection method: clinical testing. Allele origin: unknown.

Genome Diagnostics Laboratory, Amsterdam University Medical Center
Classification: Likely pathogenic. Review status: no assertion criteria provided. Collection method: clinical testing. Allele origin: germline. Affected: yes. Study: VKGL Data-share Consensus. Not counted in ClinVar's aggregate classification.

Genome Diagnostics Laboratory, University Medical Center Utrecht
Classification: Pathogenic. Review status: no assertion criteria provided. Collection method: clinical testing. Allele origin: germline. Affected: yes. Study: VKGL Data-share Consensus. Not counted in ClinVar's aggregate classification.

NM_138694.4(PKHD1):c.8302+2T>C

Gene: PKHD1 (PKHD1 ciliary IPT domain containing fibrocystin/polyductin; minus strand). Cytogenetic location: 6p12.2.
Variant type: single nucleotide variant.
Coding change: c.8302+2T>C on transcript NM_138694.4 (MANE Select); the canonical splice donor site of the intron after coding-DNA position 8302, T replaced by C.
Molecular consequence: splice donor variant.
Genome position (GRCh38, 1-based): chr6:51,830,859, A>G on the plus strand (T>C on the coding strand, the complement: PKHD1 is on the minus strand). VCF-style: chr6-51830859-A-G. GRCh37 (hg19) VCF-style: chr6-51695657-A-G.
Other names: c.8302+2T>C (NM_138694.3, NM_170724.3).
Identifiers: ClinVar variation 1210016 (VCV001210016.5), dbSNP rs2151510946, ClinGen allele CA364422842.